The following is an entry in ClinVar:

NM_000179.3(MSH6):c.848G>A (p.Gly283Glu)

Gene: MSH6 (mutS homolog 6; plus strand). Cytogenetic location: 2p16.3.
Variant type: single nucleotide variant.
Coding change: c.848G>A on transcript NM_000179.3 (MANE Select); coding-DNA position 848, G replaced by A.
Protein change: p.Gly283Glu; replaces glycine 283 with glutamic acid.
Molecular consequence: missense variant. On other transcripts: 5 prime UTR variant (9), non-coding transcript variant (4), intron variant (1).
Genome position (GRCh38, 1-based): chr2:47,798,831, G>A. VCF-style: chr2-47798831-G-A. GRCh37 (hg19) VCF-style: chr2-48025970-G-A.
Other names: c.458G>A, p.Gly153Glu (NM_001281492.2); c.-59G>A (NM_001281493.2, NM_001281494.2, NM_001406811.1 and 6 more transcripts); c.944G>A, p.Gly315Glu (NM_001406795.1, NM_001406802.1); c.848G>A, p.Gly283Glu (NM_001406796.1, NM_001406798.1, NM_001406800.1 and 4 more transcripts); c.551G>A, p.Gly184Glu (NM_001406797.1, NM_001406801.1, NM_001406805.1 and 10 more transcripts); c.323G>A, p.Gly108Glu (NM_001406799.1, NM_001406806.1, NM_001406807.1); c.770G>A, p.Gly257Glu (NM_001406804.1); c.854G>A, p.Gly285Glu (NM_001406813.1); and 2 more; short protein forms G283E, G108E, G184E, G227E, G315E, G153E, G257E, G285E.
Identifiers: ClinVar variation 3398974 (VCV003398974.1).

ClinVar aggregate classification (germline): Uncertain significance (1 of 4 stars; one submission).

Conditions:
Hereditary cancer-predisposing syndrome. Also called: Hereditary Cancer Syndrome; Tumor predisposition; Hereditary neoplastic syndrome; Neoplastic Syndromes, Hereditary. Identifiers: Orphanet 140162, MedGen C0027672, MeSH D009386, MONDO:0015356.

Submission:

Ambry Genetics
Classification: Uncertain significance for Hereditary cancer-predisposing syndrome. Last evaluated: 2024-12-06. Review status: criteria provided, single submitter. Criteria: Ambry Variant Classification Scheme 2023. Collection method: clinical testing. Allele origin: germline.
Comment: The p.G283E variant (also known as c.848G>A), located in coding exon 4 of the MSH6 gene, results from a G to A substitution at nucleotide position 848. The glycine at codon 283 is replaced by glutamic acid, an amino acid with similar properties. This amino acid position is conserved. In addition, this alteration is predicted to be tolerated by in silico analysis. Based on the available evidence, the clinical significance of this variant remains unclear.